The following is an entry in ClinVar:

NM_007254.4(PNKP):c.1042C>T (p.Arg348Cys)

Gene: PNKP (polynucleotide kinase 3'-phosphatase; minus strand). Cytogenetic location: 19q13.33.
Variant type: single nucleotide variant.
Coding change: c.1042C>T on transcript NM_007254.4 (MANE Select); coding-DNA position 1042, C replaced by T.
Protein change: p.Arg348Cys; replaces arginine 348 with cysteine.
Molecular consequence: missense variant.
Genome position (GRCh38, 1-based): chr19:49,862,269, G>A on the plus strand (C>T on the coding strand, the complement: PNKP is on the minus strand). VCF-style: chr19-49862269-G-A. GRCh37 (hg19) VCF-style: chr19-50365526-G-A.
Other names: short protein forms R348C.
Identifiers: ClinVar variation 650432 (VCV000650432.8), dbSNP rs530663093, ClinGen allele CA9586637.

ClinVar aggregate classification (germline): Uncertain significance (1 of 4 stars; one submission).

Conditions:
Developmental and epileptic encephalopathy, 12 (DEE12). Identifiers: MedGen C3150988, MONDO:0013389, OMIM 613722.

Allele frequency attached by ClinVar (database versions not stated): gnomAD exomes 0.00001; ExAC 0.00002; gnomAD 0.00003; TOPMed 0.00003; 1000 Genomes Project 30x 0.00016; 1000 Genomes Project 0.00020.
gnomAD v4.1: 22 of 1,600,992 alleles (0.0014%); highest among the groups gnomAD compares: Admixed American, 0.0052%; no homozygotes.

Submission:

Labcorp Genetics (formerly Invitae), Labcorp
Classification: Uncertain significance for Developmental and epileptic encephalopathy, 12. Last evaluated: 2024-07-29. Review status: criteria provided, single submitter. Criteria: Invitae Variant Classification Sherloc (09022015). Collection method: clinical testing. Allele origin: germline.
Comment: This sequence change replaces arginine, which is basic and polar, with cysteine, which is neutral and slightly polar, at codon 348 of the PNKP protein (p.Arg348Cys). This variant is not present in population databases (gnomAD no frequency). This variant has not been reported in the literature in individuals affected with PNKP-related conditions. ClinVar contains an entry for this variant (Variation ID: 650432). Advanced modeling of protein sequence and biophysical properties (such as structural, functional, and spatial information, amino acid conservation, physicochemical variation, residue mobility, and thermodynamic stability) performed at Invitae indicates that this missense variant is not expected to disrupt PNKP protein function with a negative predictive value of 80%. In summary, the available evidence is currently insufficient to determine the role of this variant in disease. Therefore, it has been classified as a Variant of Uncertain Significance.